The following is an entry in ClinVar:

ClinVar aggregate classification (germline): Uncertain significance (1 of 4 stars; one submission).

Conditions:
Hereditary breast ovarian cancer syndrome. Also called: BRCA1- and BRCA2-Associated Hereditary Breast and Ovarian Cancer; Breast and ovarian cancer; Hereditary breast and ovarian cancer; Hereditary breast and ovarian cancer syndrome (HBOC); Hereditary breast and ovarian cancer syndrome; Hereditary breast and/or ovarian cancer syndrome. Identifiers: Orphanet 145, MedGen C0677776, MeSH D061325, MONDO:0003582. Disease mechanism: loss of function.

Submission:

Labcorp Genetics (formerly Invitae), Labcorp
Classification: Uncertain significance for Hereditary breast ovarian cancer syndrome. Last evaluated: 2025-12-01. Review status: criteria provided, single submitter. Criteria: Invitae Variant Classification Sherloc (09022015). Collection method: clinical testing. Allele origin: germline.
Comment: This sequence change replaces alanine, which is neutral and non-polar, with phenylalanine, which is neutral and non-polar, at codon 134 of the BRCA1 protein (p.Ala134Phe). Information on the frequency of this variant in the gnomAD database is not available, as this variant may be reported differently in the database. This variant has not been reported in the literature in individuals affected with BRCA1-related conditions. An algorithm developed to predict the effect of missense changes on protein structure and function (PolyPhen-2) suggests that this variant is likely to be disruptive. In summary, the available evidence is currently insufficient to determine the role of this variant in disease. Therefore, it has been classified as a Variant of Uncertain Significance.

NM_007294.4(BRCA1):c.400_401delinsTT (p.Ala134Phe)

Gene: BRCA1 (BRCA1 DNA repair associated; minus strand). Cytogenetic location: 17q21.31.
Variant type: Indel.
Coding change: c.400_401delinsTT on transcript NM_007294.4 (MANE Select); coding-DNA positions 400 to 401, GC replaced by TT.
Protein change: p.Ala134Phe; replaces alanine 134 with phenylalanine.
Molecular consequence: missense variant. On other transcripts: intron variant (2).
Genome position (GRCh38, 1-based): chr17:43,104,162-43,104,163, GC replaced by AA on the plus strand (GC replaced by TT on the coding strand, the reverse complement: BRCA1 is on the minus strand). VCF-style: chr17-43104162-GC-AA. GRCh37 (hg19) VCF-style: chr17-41256179-GC-AA.
Other names: c.259_260delinsTT, p.Ala87Phe (NM_001407739.1, NM_001407933.1, NM_001407740.1 and 99 more transcripts); c.190_191delinsTT, p.Ala64Phe (NM_001407881.1, NM_001407882.1, NM_001407884.1 and 58 more transcripts); c.400_401delinsTT, p.Ala134Phe (NM_001407683.1, NM_001407684.1, NM_001407685.1 and 164 more transcripts); c.322_323delinsTT, p.Ala108Phe (NM_001408474.1, NM_001408475.1, NM_001408476.1 and 21 more transcripts); c.19_20delinsTT, p.Ala7Phe (NM_001408510.1, NM_001408512.1, NM_001407959.1 and 4 more transcripts); c.268_269delinsTT, p.Ala90Phe (NM_001408451.1); c.-218-9303_-218-9302delinsTT (NM_001407967.1, NM_001407966.1); c.391_392delinsTT, p.Ala131Phe (NM_001407646.1, NM_001407647.1, NM_001408408.1); short protein forms A87F, A90F, A108F, A131F, A134F, A64F, A7F.
Identifiers: ClinVar variation 4732287 (VCV004732287.1).